The following is an entry in ClinVar:

NM_000083.3(CLCN1):c.1046C>G (p.Pro349Arg)

Gene: CLCN1 (chloride voltage-gated channel 1; plus strand). Cytogenetic location: 7q34.
Variant type: single nucleotide variant.
Coding change: c.1046C>G on transcript NM_000083.3 (MANE Select); coding-DNA position 1046, C replaced by G.
Protein change: p.Pro349Arg; replaces proline 349 with arginine.
Molecular consequence: missense variant. On other transcripts: non-coding transcript variant (1).
Genome position (GRCh38, 1-based): chr7:143,331,298, C>G. VCF-style: chr7-143331298-C-G. GRCh37 (hg19) VCF-style: chr7-143028391-C-G.
Other names: short protein forms P349R.
Identifiers: ClinVar variation 3750874 (VCV003750874.2).

ClinVar aggregate classification (germline): Uncertain significance (1 of 4 stars; one submission).

Conditions:
Congenital myotonia, autosomal dominant form (THD). Also called: THOMSEN DISEASE; Myotonia congenita autosomal dominant. Identifiers: Orphanet 614, MedGen C2936781, MONDO:0008055, OMIM 160800.
Congenital myotonia, autosomal recessive form. Also called: Becker Generalized Myotonia; myotonia congenita, autosomal recessive; BECKER DISEASE. Identifiers: Orphanet 614, MedGen C0751360, MONDO:0009715, OMIM 255700.

Submission:

Labcorp Genetics (formerly Invitae), Labcorp
Classification: Uncertain significance for Congenital myotonia, autosomal recessive form; Congenital myotonia, autosomal dominant form. Last evaluated: 2024-08-18. Review status: criteria provided, single submitter. Criteria: Invitae Variant Classification Sherloc (09022015). Collection method: clinical testing. Allele origin: germline.
Comment: This sequence change replaces proline, which is neutral and non-polar, with arginine, which is basic and polar, at codon 349 of the CLCN1 protein (p.Pro349Arg). This variant is not present in population databases (gnomAD no frequency). This variant has not been reported in the literature in individuals affected with CLCN1-related conditions. Invitae Evidence Modeling of protein sequence and biophysical properties (such as structural, functional, and spatial information, amino acid conservation, physicochemical variation, residue mobility, and thermodynamic stability) indicates that this missense variant is expected to disrupt CLCN1 protein function with a positive predictive value of 80%. In summary, the available evidence is currently insufficient to determine the role of this variant in disease. Therefore, it has been classified as a Variant of Uncertain Significance.